The following is an entry in ClinVar:

NM_000202.8(IDS):c.459del (p.Trp153fs)

Genes: IDS (iduronate 2-sulfatase; minus strand), LOC106050102 (IDS recombination region; plus strand). Cytogenetic location: Xq28.
Variant type: Deletion.
Coding change: c.459del on transcript NM_000202.8 (MANE Select); coding-DNA position 459, one base deleted (G; older notation c.459delG).
Protein change: p.Trp153fs; shifts the reading frame from tryptophan 153.
Molecular consequence: frameshift variant. On other transcripts: non-coding transcript variant (1).
Genome position (GRCh38, 1-based): chrX:149,500,997, C deleted on the plus strand (G on the coding strand, the reverse complement: IDS is on the minus strand); the first of 2 consecutive C bases (chrX:149,500,997-149,500,998); deleting either gives the same sequence. VCF-style (leftmost placement, unchanged base first): chrX-149500996-AC-A. GRCh37 (hg19) VCF-style: chrX-148582527-AC-A.
Other names: c.189del, p.Trp63fs (NM_001166550.4); c.459del, p.Trp153fs (NM_006123.5); short protein forms W153fs, W63fs.
Identifiers: ClinVar variation 3255744 (VCV003255744.2).
Genomic context (GRCh38, chrX:149,500,996, plus strand): 5'-TTCACAGCCTTACCTTAGTGTTTTCATACTTCTCAGAGGAAGGATGATAAGGTGGAAAAG[AC>A]CAGCTATACGGAGAATCATCGGTATGGTTAGAAGATATCCCTTGGAAAAAAAAAAAGGTT-3'

ClinVar aggregate classification (germline): Pathogenic (1 of 4 stars; one submission).

Conditions:
Mucopolysaccharidosis, MPS-II (MPS2). Also called: Hunter Syndrome; IDURONATE 2-SULFATASE DEFICIENCY; Mucopolysaccharidosis Type II; Mucopolysaccharidosis type 2; Attenuated MPS (subtype; formerly known as mild MPS II); Severe MPS II. Identifiers: Orphanet 580, Orphanet 79388, MedGen C0026705, MONDO:0010674, OMIM 309900.

Submission:

Laboratory of Diagnosis and Therapy of Lysosomal Disorders, University of Padova
Classification: Pathogenic for Mucopolysaccharidosis, MPS-II. Last evaluated: 2024-06-07. Review status: criteria provided, single submitter. Criteria: ACMG Guidelines, 2015. Collection method: literature only. Allele origin: germline. Affected: yes. Observed: 2 variant alleles.
Comment: Null variant (PVS1_VeryStrong), Absent from controls (or at low frequency) in gnomAD database (PM2_Moderate), Cosegregation with disease in multiple affected family members (PP1_Moderate), Patient’s phenotype or family history highly specific for the disease (PP4_Strong)

Classification method: ACMG Guidelines [PMID:25741868] with modifications

Literature cited by the submitters: PubMed 9266380.